The following is an entry in ClinVar:

ClinVar aggregate classification (germline): Uncertain significance (1 of 4 stars; one submission).

Conditions:
Schimke immuno-osseous dysplasia (SIOD). Also called: Schimke Immunoosseous Dysplasia. Identifiers: Orphanet 1830, MedGen C0877024, MONDO:0009458, OMIM 242900.

Submission:

Labcorp Genetics (formerly Invitae), Labcorp
Classification: Uncertain significance for Schimke immuno-osseous dysplasia. Last evaluated: 2022-10-17. Review status: criteria provided, single submitter. Criteria: Invitae Variant Classification Sherloc (09022015). Collection method: clinical testing. Allele origin: germline.
Comment: This sequence change replaces glutamine, which is neutral and polar, with proline, which is neutral and non-polar, at codon 223 of the SMARCAL1 protein (p.Gln223Pro). This variant is present in population databases (no rsID available, gnomAD 0.003%). This variant has not been reported in the literature in individuals affected with SMARCAL1-related conditions. ClinVar contains an entry for this variant (Variation ID: 1505286). Advanced modeling of protein sequence and biophysical properties (such as structural, functional, and spatial information, amino acid conservation, physicochemical variation, residue mobility, and thermodynamic stability) performed at Invitae indicates that this missense variant is not expected to disrupt SMARCAL1 protein function. In summary, the available evidence is currently insufficient to determine the role of this variant in disease. Therefore, it has been classified as a Variant of Uncertain Significance.

NM_014140.4(SMARCAL1):c.668A>C (p.Gln223Pro)

Gene: SMARCAL1 (SNF2 related chromatin remodeling annealing helicase 1; plus strand). Cytogenetic location: 2q35.
Variant type: single nucleotide variant.
Coding change: c.668A>C on transcript NM_014140.4 (MANE Select); coding-DNA position 668, A replaced by C.
Protein change: p.Gln223Pro; replaces glutamine 223 with proline.
Molecular consequence: missense variant.
Genome position (GRCh38, 1-based): chr2:216,415,372, A>C. VCF-style: chr2-216415372-A-C. GRCh37 (hg19) VCF-style: chr2-217280095-A-C.
Other names: c.668A>C, p.Gln223Pro (NM_001127207.2); short protein forms Q223P.
Identifiers: ClinVar variation 1505286 (VCV001505286.3), dbSNP rs1316299314, ClinGen allele CA350497788.